The following is an entry in ClinVar:

ClinVar aggregate classification (germline): Conflicting classifications of pathogenicity. Review status: criteria provided, conflicting classifications (1 of 4 stars). 3 submissions from 3 submitters: Uncertain significance (2); Likely benign (1). Last evaluated 2025-03-05.

Conditions:
Hereditary cancer-predisposing syndrome. Also called: Hereditary Cancer Syndrome; Hereditary neoplastic syndrome; Tumor predisposition; Neoplastic Syndromes, Hereditary. Identifiers: Orphanet 140162, MedGen C0027672, MeSH D009386, MONDO:0015356.
Multiple endocrine neoplasia, type 2 (MEN2). Identifiers: Orphanet 653, MedGen C4048306, MONDO:0019003. Disease mechanism: gain of function.

Allele frequency attached by ClinVar (database versions not stated): TOPMed 0.00001; gnomAD 0.00002.
gnomAD v4.1: 11 of 1,608,058 alleles (0.00068%); highest among the groups gnomAD compares: African/African-American, 0.004%; no homozygotes.

Submissions (3):

Labcorp Genetics (formerly Invitae), Labcorp
Classification: Uncertain significance for Multiple endocrine neoplasia, type 2. Last evaluated: 2025-03-05. Review status: criteria provided, single submitter. Criteria: Invitae Variant Classification Sherloc (09022015). Collection method: clinical testing. Allele origin: germline.
Comment: This sequence change replaces valine, which is neutral and non-polar, with methionine, which is neutral and non-polar, at codon 242 of the RET protein (p.Val242Met). The frequency data for this variant in the population databases is considered unreliable, as metrics indicate poor data quality at this position in the gnomAD database. This variant has not been reported in the literature in individuals affected with RET-related conditions. ClinVar contains an entry for this variant (Variation ID: 972245). An algorithm developed to predict the effect of missense changes on protein structure and function (PolyPhen-2) suggests that this variant is likely to be tolerated. In summary, the available evidence is currently insufficient to determine the role of this variant in disease. Therefore, it has been classified as a Variant of Uncertain Significance.

GeneDx
Classification: Uncertain significance. Last evaluated: 2023-12-10. Review status: criteria provided, single submitter. Criteria: GeneDx Variant Classification Process June 2021. Collection method: clinical testing. Allele origin: germline. Affected: yes.
Comment: Not observed at significant frequency in large population cohorts (gnomAD); In silico analysis supports that this missense variant does not alter protein structure/function; Has not been previously published as pathogenic or benign to our knowledge; This variant is associated with the following publications: (PMID: 14633923)

Ambry Genetics
Classification: Likely benign for Hereditary cancer-predisposing syndrome. Last evaluated: 2023-08-04. Review status: criteria provided, single submitter. Criteria: Ambry Variant Classification Scheme 2023. Collection method: clinical testing. Allele origin: germline.

NM_020975.6(RET):c.724G>A (p.Val242Met)

Gene: RET (ret proto-oncogene; plus strand). Cytogenetic location: 10q11.21.
Variant type: single nucleotide variant.
Coding change: c.724G>A on transcript NM_020975.6 (MANE Select); coding-DNA position 724, G replaced by A.
Protein change: p.Val242Met; replaces valine 242 with methionine.
Molecular consequence: missense variant.
Genome position (GRCh38, 1-based): chr10:43,105,050, G>A. VCF-style: chr10-43105050-G-A. GRCh37 (hg19) VCF-style: chr10-43600498-G-A.
Other names: c.724G>A, p.Val242Met (NM_000323.2, NM_001406743.1, NM_001406744.1 and 8 more transcripts); c.-39G>A (NM_001355216.2); c.595G>A, p.Val199Met (NM_001406761.1, NM_001406762.1, NM_001406764.1 and 2 more transcripts); c.436G>A, p.Val146Met (NM_001406766.1, NM_001406767.1, NM_001406770.1); short protein forms V242M, V199M, V146M.
Identifiers: ClinVar variation 972245 (VCV000972245.13), dbSNP rs1264337497, ClinGen allele CA376544735.